The following is an entry in ClinVar:

ClinVar aggregate classification (germline): Likely benign (1 of 4 stars; one submission).

gnomAD v4.1: 38 of 398,508 alleles (0.0095%); highest among the groups gnomAD compares: Non-Finnish European, 0.017%; no homozygotes.

Submission:

CeGaT Center for Human Genetics Tuebingen
Classification: Likely benign. Last evaluated: 2026-01-01. Review status: criteria provided, single submitter. Criteria: CeGaT Center For Human Genetics Tuebingen Variant Classification Criteria Version 2. Collection method: clinical testing. Allele origin: germline. Affected: yes. Observed: 2 variant alleles.
Comment: KCNQ1OT1: BS1

NM_000218.3(KCNQ1):c.1514+17744C>A

Genes: KCNQ1 (potassium voltage-gated channel subfamily Q member 1; plus strand), KCNQ1OT1 (KCNQ1 opposite strand/antisense transcript 1; minus strand). Cytogenetic location: 11p15.5.
Variant type: single nucleotide variant.
Coding change: c.1514+17744C>A on transcript NM_000218.3 (MANE Select); 17744 bases into the intron after coding-DNA position 1514, C replaced by A.
Molecular consequence: intron variant. On other transcripts: non-coding transcript variant (1).
Genome position (GRCh38, 1-based): chr11:2,679,825, C>A. VCF-style: chr11-2679825-C-A. GRCh37 (hg19) VCF-style: chr11-2701055-C-A.
Other names: c.1244+17744C>A (NM_001406837.1); c.1418+17744C>A (NM_001406836.1); c.974+17744C>A (NM_001406838.1); c.1133+17744C>A (NM_181798.2).
Identifiers: ClinVar variation 3771765 (VCV003771765.13).